The following is an entry in ClinVar:

ClinVar aggregate classification (germline): Uncertain significance. Review status: criteria provided, multiple submitters, no conflicts (2 of 4 stars). 3 submissions from 3 submitters: Uncertain significance (3). Last evaluated 2025-12-18.

Conditions:
Cardiovascular phenotype. Identifiers: MedGen CN230736.
Ehlers-Danlos syndrome, classic type, 1 (EDSCL1). Also called: EHLERS-DANLOS SYNDROME, GRAVIS TYPE; EHLERS-DANLOS SYNDROME, SEVERE CLASSIC TYPE; Ehlers-Danlos syndrome, type 1; Ehlers-Danlos Syndrome, Classic Type, COL5A1-Related; EDS I. Identifiers: MedGen C0268335, MONDO:0019567, OMIM 130000.
Osteogenesis imperfecta type I (OI1). Also called: OI, TYPE I; OSTEOGENESIS IMPERFECTA TARDA; OSTEOGENESIS IMPERFECTA WITH BLUE SCLERAE; Osteogenesis imperfecta type 1; Lobstein's Disease; Lobstein disease. Identifiers: Orphanet 216796, Orphanet 666, MedGen C0023931, MONDO:0008146, OMIM 166200. Disease mechanism: loss of function.

Submissions (3):

Ambry Genetics
Classification: Uncertain significance for Cardiovascular phenotype. Last evaluated: 2025-12-18. Review status: criteria provided, single submitter. Criteria: Ambry Variant Classification Scheme 2023. Collection method: clinical testing. Allele origin: germline.

Labcorp Genetics (formerly Invitae), Labcorp
Classification: Uncertain significance for Osteogenesis imperfecta type I; Ehlers-Danlos syndrome, classic type, 1. Last evaluated: 2025-03-13. Review status: criteria provided, single submitter. Criteria: Invitae Variant Classification Sherloc (09022015). Collection method: clinical testing. Allele origin: germline.
Comment: This sequence change replaces proline, which is neutral and non-polar, with leucine, which is neutral and non-polar, at codon 419 of the COL1A2 protein (p.Pro419Leu). This variant is not present in population databases (gnomAD no frequency). This variant has not been reported in the literature in individuals affected with COL1A2-related conditions. ClinVar contains an entry for this variant (Variation ID: 3379779). Invitae Evidence Modeling of protein sequence and biophysical properties (such as structural, functional, and spatial information, amino acid conservation, physicochemical variation, residue mobility, and thermodynamic stability) indicates that this missense variant is not expected to disrupt COL1A2 protein function with a negative predictive value of 95%. In summary, the available evidence is currently insufficient to determine the role of this variant in disease. Therefore, it has been classified as a Variant of Uncertain Significance.

Mayo Clinic Laboratories, Mayo Clinic
Classification: Uncertain significance. Last evaluated: 2024-05-28. Review status: criteria provided, single submitter. Criteria: ACMG Guidelines, 2015. Collection method: clinical testing. Allele origin: germline. Observed: 1 variant allele.
Comment: PM2

NM_000089.4(COL1A2):c.1256C>T (p.Pro419Leu)

Gene: COL1A2 (collagen type I alpha 2 chain; plus strand). Cytogenetic location: 7q21.3.
Variant type: single nucleotide variant.
Coding change: c.1256C>T on transcript NM_000089.4 (MANE Select); coding-DNA position 1256, C replaced by T.
Protein change: p.Pro419Leu; replaces proline 419 with leucine.
Molecular consequence: missense variant.
Genome position (GRCh38, 1-based): chr7:94,411,060, C>T. VCF-style: chr7-94411060-C-T. GRCh37 (hg19) VCF-style: chr7-94040372-C-T.
Other names: p.Pro419Leu; short protein forms P419L.
Identifiers: ClinVar variation 3379779 (VCV003379779.3).
Genomic context (GRCh38, chr7:94,411,060, plus strand): 5'-TGTCATTAGCTTTAGCATCCTCCTCCTCTATCTGTTTTTTTTTTTTTTTTGAATAGGGCC[C>T]TCCTGGTAGTCGTGGTGCAAGTGGCCCTGCTGGAGTCCGAGGACCTAATGGAGATGCTGG-3'
Protein context (NP_000080.2, residues 409-429): GADGRAGVMG[Pro419Leu]PGSRGASGPA